The following is an entry in ClinVar:

NM_001148.6(ANK2):c.2194T>A (p.Leu732Ile)

Gene: ANK2 (ankyrin 2; plus strand). Cytogenetic location: 4q26.
Variant type: single nucleotide variant.
Coding change: c.2194T>A on transcript NM_001148.6 (MANE Select); coding-DNA position 2194, T replaced by A.
Protein change: p.Leu732Ile; replaces leucine 732 with isoleucine.
Molecular consequence: missense variant.
Genome position (GRCh38, 1-based): chr4:113,288,403, T>A. VCF-style: chr4-113288403-T-A. GRCh37 (hg19) VCF-style: chr4-114209559-T-A.
Other names: c.2131T>A, p.Leu711Ile (NM_001127493.3, NM_001354239.2, NM_001354243.2 and 10 more transcripts); c.2194T>A, p.Leu732Ile (NM_001354225.2, NM_001354228.2, NM_001354232.2 and 6 more transcripts); c.2239T>A, p.Leu747Ile (NM_001354230.2, NM_001354231.2, NM_001354237.2 and 5 more transcripts); c.2095T>A, p.Leu699Ile (NM_001354245.2, NM_001354268.2); c.2107T>A, p.Leu703Ile (NM_001354249.2, NM_001354264.2, NM_001354266.2 and 10 more transcripts); c.2032T>A, p.Leu678Ile (NM_001354253.2, NM_001354257.2, NM_001354270.2 and 1 more transcripts); c.2008T>A, p.Leu670Ile (NM_001354260.2, NM_001354271.2, NM_001386151.1); c.2152T>A, p.Leu718Ile (NM_001354261.2, NM_001386147.1, NM_001386160.1); and 8 more; short protein forms L637I, L678I, L711I, L720I, L670I, L703I, L728I, L747I.
Identifiers: ClinVar variation 4984562 (VCV004984562.1).
Genomic context (GRCh38, chr4:113,288,403, plus strand): 5'-AAGTTTCTACTTTATCTATTTTTAACTTTTTATTATTATTTACAGCTTGGTTACACACCT[T>A]TAATTGTGGCCTGTCACTATGGAAATGTGAAAATGGTCAACTTTCTTCTGAAGCAGGGAG-3'
Protein context (NP_001139.3, residues 722-742): DAHTKLGYTP[Leu732Ile]IVACHYGNVK

ClinVar aggregate classification (germline): Uncertain significance (1 of 4 stars; one submission).

Conditions:
ANK2-related disorder. Also called: ANK2-related condition.

Submission:

PreventionGenetics, part of Exact Sciences
Classification: Uncertain significance for ANK2-related condition. Last evaluated: 2025-11-12. Review status: criteria provided, single submitter. Criteria: ACMG Guidelines, 2015. Collection method: clinical testing. Allele origin: germline.
Comment: The ANK2 c.2194T>A variant is predicted to result in the amino acid substitution p.Leu732Ile. To our knowledge, this variant has not been reported in the literature or in a large population database (gnomAD), indicating this variant is rare. At this time, the clinical significance of this variant is uncertain due to the absence of conclusive functional and genetic evidence.